The following is an entry in ClinVar:

Conditions:
Breast-ovarian cancer, familial, susceptibility to, 1 (BROVCA1). Also called: BRCA1 Hereditary Breast and Ovarian Cancer; OVARIAN CANCER, SUSCEPTIBILITY TO. Identifiers: Orphanet 145, MedGen C2676676, MONDO:0011450, OMIM 604370. Disease mechanism: loss of function.

Submission:

Brotman Baty Institute, University of Washington
No classification provided (evidence only). Condition: Breast-ovarian cancer, familial 1. Review status: no classification provided. Collection method: in vitro. Allele origin: not applicable. Functional consequence: functionally_normal.
ClinVar note: "not provided" was previously submitted as the classification for the variant. However, the classification appeared to be based only on an observation of functional data so it was converted to no classification on 2025-07-30.

NM_007294.4(BRCA1):c.5406+4A>C

Gene: BRCA1 (BRCA1 DNA repair associated; minus strand). Cytogenetic location: 17q21.31.
Variant type: single nucleotide variant.
Coding change: c.5406+4A>C on transcript NM_007294.4 (MANE Select); 4 bases into the intron after coding-DNA position 5406, A replaced by C.
Molecular consequence: intron variant.
Genome position (GRCh38, 1-based): chr17:43,049,117, T>G on the plus strand (A>C on the coding strand, the complement: BRCA1 is on the minus strand). VCF-style: chr17-43049117-T-G. GRCh37 (hg19) VCF-style: chr17-41201134-T-G.
Other names: c.5199+4A>C (NM_001407875.1, NM_001407874.1); c.5322+4A>C (NM_001407659.1, NM_001407662.1, NM_001407660.1 and 2 more transcripts); c.2016+4A>C (NM_001408412.1, NM_001408413.1, NM_001408416.1 and 2 more transcripts); c.5325+4A>C (NM_001407656.1, NM_001407657.1, NM_001407658.1); c.5328+4A>C (NM_001407654.1, NM_001407652.1, NM_001407653.1 and 1 more transcripts); c.1755+4A>C (NM_001408509.1); c.1758+4A>C (NM_001408508.1); c.1884+4A>C (NM_001408491.1, NM_001408481.1, NM_001408490.1 and 5 more transcripts); and 84 more.
Identifiers: ClinVar variation 865432 (VCV000865432.3), dbSNP rs397509279, ClinGen allele CA916080837.